The following is an entry in ClinVar:

NM_001271.4(CHD2):c.3942G>A (p.Ala1314=)

Gene: CHD2 (chromodomain helicase DNA binding protein 2; plus strand). Cytogenetic location: 15q26.1.
Variant type: single nucleotide variant.
Coding change: c.3942G>A on transcript NM_001271.4 (MANE Select); coding-DNA position 3942, G replaced by A.
Protein change: p.Ala1314=; no amino-acid change (alanine 1314 retained).
Molecular consequence: synonymous variant.
Genome position (GRCh38, 1-based): chr15:92,998,555, G>A. VCF-style: chr15-92998555-G-A. GRCh37 (hg19) VCF-style: chr15-93541785-G-A.
Identifiers: ClinVar variation 2151341 (VCV002151341.29), dbSNP rs201615046, ClinGen allele CA7748328.

ClinVar aggregate classification (germline): Likely benign. Review status: criteria provided, multiple submitters, no conflicts (2 of 4 stars). 3 submissions from 3 submitters: Likely benign (3). Last evaluated 2025-03-27.

Conditions:
Developmental and epileptic encephalopathy 94 (DEE94). Also called: Epileptic encephalopathy, childhood-onset; CHD2-Related Neurodevelopmental Disorders. Identifiers: Orphanet 1942, Orphanet 2382, MedGen C3809278, MONDO:0014150, OMIM 615369.

Allele frequency attached by ClinVar (database versions not stated): gnomAD exomes below 0.00001; ExAC 0.00001; gnomAD 0.00002; TOPMed 0.00004; ESP Exome Variant Server 0.00008; 1000 Genomes Project 30x 0.00016; 1000 Genomes Project 0.00020.
gnomAD v4.1: 8 of 1,613,824 alleles (0.0005%); highest among the groups gnomAD compares: Middle Eastern, 0.017%; no homozygotes.

Submissions (3):

Labcorp Genetics (formerly Invitae), Labcorp
Classification: Likely benign for Developmental and epileptic encephalopathy 94. Last evaluated: 2025-03-27. Review status: criteria provided, single submitter. Criteria: Invitae Variant Classification Sherloc (09022015). Collection method: clinical testing. Allele origin: germline.

Blueprint Genetics
Classification: Likely benign. Last evaluated: 2024-03-29. Review status: criteria provided, single submitter. Criteria: ACMG Guidelines, 2015. Collection method: clinical testing. Allele origin: germline.

CeGaT Center for Human Genetics Tuebingen
Classification: Likely benign. Last evaluated: 2023-03-01. Review status: criteria provided, single submitter. Criteria: CeGaT Center For Human Genetics Tuebingen Variant Classification Criteria Version 2. Collection method: clinical testing. Allele origin: germline. Affected: yes. Observed: 1 variant allele.
Comment: CHD2: BP4, BP7